The following is an entry in ClinVar:

NM_032578.4(MYPN):c.1578C>G (p.Ser526Arg)

Gene: MYPN (myopalladin; plus strand). Cytogenetic location: 10q21.3.
Variant type: single nucleotide variant.
Coding change: c.1578C>G on transcript NM_032578.4 (MANE Select); coding-DNA position 1578, C replaced by G.
Protein change: p.Ser526Arg; replaces serine 526 with arginine.
Molecular consequence: missense variant. On other transcripts: non-coding transcript variant (2).
Genome position (GRCh38, 1-based): chr10:68,165,796, C>G. VCF-style: chr10-68165796-C-G. GRCh37 (hg19) VCF-style: chr10-69925553-C-G.
Other names: c.1578C>G, p.Ser526Arg (NM_001256267.2); c.696C>G, p.Ser232Arg (NM_001256268.2); short protein forms S526R, S232R.
Identifiers: ClinVar variation 1518560 (VCV001518560.8), dbSNP rs533432953, ClinGen allele CA376838432.

ClinVar aggregate classification (germline): Uncertain significance (1 of 4 stars; one submission).

Conditions:
Dilated cardiomyopathy 1KK (CMD1KK). Identifiers: Orphanet 154, Orphanet 75249, MedGen C3714995, MONDO:0014100, OMIM 615248.

Allele frequency attached by ClinVar (database versions not stated): TOPMed 0.00001.

Submission:

Labcorp Genetics (formerly Invitae), Labcorp
Classification: Uncertain significance for Dilated cardiomyopathy 1KK. Last evaluated: 2021-03-23. Review status: criteria provided, single submitter. Criteria: Invitae Variant Classification Sherloc (09022015). Collection method: clinical testing. Allele origin: germline.
Comment: This sequence change replaces serine with arginine at codon 526 of the MYPN protein (p.Ser526Arg). The serine residue is highly conserved and there is a moderate physicochemical difference between serine and arginine. In summary, the available evidence is currently insufficient to determine the role of this variant in disease. Therefore, it has been classified as a Variant of Uncertain Significance. Algorithms developed to predict the effect of missense changes on protein structure and function are either unavailable or do not agree on the potential impact of this missense change (SIFT: "Deleterious"; PolyPhen-2: "Probably Damaging"; Align-GVGD: "Class C15"). This variant has not been reported in the literature in individuals with MYPN-related conditions. This variant is not present in population databases (ExAC no frequency).